The following is an entry in ClinVar:

ClinVar aggregate classification (germline): Uncertain significance (1 of 4 stars; one submission).

Allele frequency attached by ClinVar (database versions not stated): gnomAD exomes below 0.00001.
gnomAD v4.1: 1 of 1,614,134 alleles (0.000062%); highest among the groups gnomAD compares: Non-Finnish European, 0.000085%; no homozygotes.

Submission:

Ambry Genetics
Classification: Uncertain significance. Last evaluated: 2021-08-07. Review status: criteria provided, single submitter. Criteria: Ambry Variant Classification Scheme 2023. Collection method: clinical testing. Allele origin: germline.
Comment: The p.I330M variant (also known as c.990C>G), located in coding exon 2 of the PALLD gene, results from a C to G substitution at nucleotide position 990. The isoleucine at codon 330 is replaced by methionine, an amino acid with highly similar properties. This amino acid position is conserved. In addition, this alteration is predicted to be tolerated by in silico analysis. Since supporting evidence is limited at this time, the clinical significance of this alteration remains unclear.

NM_001166108.2(PALLD):c.990C>G (p.Ile330Met)

Gene: PALLD (palladin, cytoskeletal associated protein; plus strand). Cytogenetic location: 4q32.3.
Variant type: single nucleotide variant.
Coding change: c.990C>G on transcript NM_001166108.2 (MANE Select); coding-DNA position 990, C replaced by G.
Protein change: p.Ile330Met; replaces isoleucine 330 with methionine.
Molecular consequence: missense variant. On other transcripts: 5 prime UTR variant (1).
Genome position (GRCh38, 1-based): chr4:168,668,271, C>G. VCF-style: chr4-168668271-C-G. GRCh37 (hg19) VCF-style: chr4-169589422-C-G.
Other names: c.-157C>G (NM_001166109.2); c.990C>G, p.Ile330Met (NM_016081.4); short protein forms I330M.
Identifiers: ClinVar variation 1768570 (VCV001768570.2), dbSNP rs2531425060, ClinGen allele CA358793754.
Genomic context (GRCh38, chr4:168,668,271, plus strand): 5'-ACTGCACAACACTCCTGATATTCAAATCCACTGTGAGGGAGGGGACCTCCATACCCTGAT[C>G]ATAGCAGAGGCCTTTGAGGACGACACAGGTCGCTACACCTGTTTGGCTACGAATCCCAGC-3'
Protein context (NP_001159580.1, residues 320-340): HCEGGDLHTL[Ile330Met]IAEAFEDDTG